The following is an entry in ClinVar:

ClinVar aggregate classification (germline): Uncertain significance (1 of 4 stars; one submission).

Conditions:
JAG1-related disorder. Also called: JAG1-related condition; JAG1-related disorders.

gnomAD v4.1: 3 of 1,614,052 alleles (0.00019%); highest among the groups gnomAD compares: Non-Finnish European, 0.00025%; no homozygotes.

Submission:

PreventionGenetics, part of Exact Sciences
Classification: Uncertain significance for JAG1-related condition. Last evaluated: 2024-10-30. Review status: criteria provided, single submitter. Criteria: ACMG Guidelines, 2015. Collection method: clinical testing. Allele origin: germline.
Comment: The JAG1 c.2879A>G variant is predicted to result in the amino acid substitution p.Asn960Ser. To our knowledge, this variant has not been reported in the literature or in a large population database (gnomAD), indicating this variant is rare. At this time, the clinical significance of this variant is uncertain due to the absence of conclusive functional and genetic evidence.

NM_000214.3(JAG1):c.2879A>G (p.Asn960Ser)

Gene: JAG1 (jagged canonical Notch ligand 1; minus strand). Cytogenetic location: 20p12.2.
Variant type: single nucleotide variant.
Coding change: c.2879A>G on transcript NM_000214.3 (MANE Select); coding-DNA position 2879, A replaced by G.
Protein change: p.Asn960Ser; replaces asparagine 960 with serine.
Molecular consequence: missense variant.
Genome position (GRCh38, 1-based): chr20:10,641,497, T>C on the plus strand (A>G on the coding strand, the complement: JAG1 is on the minus strand). VCF-style: chr20-10641497-T-C. GRCh37 (hg19) VCF-style: chr20-10622145-T-C.
Other names: short protein forms N960S.
Identifiers: ClinVar variation 4997234 (VCV004997234.1).